The following is an entry in ClinVar:

ClinVar aggregate classification (germline): Likely pathogenic (1 of 4 stars; one submission).

Conditions:
Nonsyndromic congenital nail disorder 3 (NDNC3). Also called: LEUKONYCHIA TOTALIS AND/OR PARTIALIS; Nail disorder, nonsyndromic congenital, 3, (leukonychia). Identifiers: MedGen C0544855, MONDO:0007900, OMIM 151600.

gnomAD v4.1: 2 of 1,614,150 alleles (0.00012%); highest among the groups gnomAD compares: Non-Finnish European, 0.00017%; no homozygotes.

Submission:

First Genomix Gene Laboratory, Genetic Diagnostics Department
Classification: Likely pathogenic for Nonsyndromic congenital nail disorder 3. Last evaluated: 2025-05-29. Review status: criteria provided, single submitter. Criteria: ACMG Guidelines, 2015. Collection method: clinical testing. Allele origin: germline. Inheritance: Autosomal recessive inheritance. Affected: no. Observed: 1 variant allele.

NM_006225.4(PLCD1):c.1597C>T (p.Gln533Ter)

Gene: PLCD1 (phospholipase C delta 1; minus strand). Cytogenetic location: 3p22.2.
Variant type: single nucleotide variant.
Coding change: c.1597C>T on transcript NM_006225.4 (MANE Select); coding-DNA position 1597, C replaced by T.
Protein change: p.Gln533Ter; replaces glutamine 533 with a stop codon.
Molecular consequence: nonsense. On other transcripts: non-coding transcript variant (1).
Genome position (GRCh38, 1-based): chr3:38,009,281, G>A on the plus strand (C>T on the coding strand, the complement: PLCD1 is on the minus strand). VCF-style: chr3-38009281-G-A. GRCh37 (hg19) VCF-style: chr3-38050772-G-A.
Other names: c.1660C>T, p.Gln554Ter (NM_001130964.2); short protein forms Q533*, Q554*.
Identifiers: ClinVar variation 4849409 (VCV004849409.1).